The following is an entry in ClinVar:

NM_005732.4(RAD50):c.1395G>T (p.Gln465His)

Gene: RAD50 (RAD50 double strand break repair protein; plus strand). Cytogenetic location: 5q31.1.
Variant type: single nucleotide variant.
Coding change: c.1395G>T on transcript NM_005732.4 (MANE Select); coding-DNA position 1395, G replaced by T.
Protein change: p.Gln465His; replaces glutamine 465 with histidine.
Molecular consequence: missense variant.
Genome position (GRCh38, 1-based): chr5:132,589,780, G>T. VCF-style: chr5-132589780-G-T. GRCh37 (hg19) VCF-style: chr5-131925472-G-T.
Other names: short protein forms Q465H.
Identifiers: ClinVar variation 4149713 (VCV004149713.1).

ClinVar aggregate classification (germline): Uncertain significance (1 of 4 stars; one submission).

Conditions:
Hereditary cancer-predisposing syndrome. Also called: Hereditary neoplastic syndrome; Neoplastic Syndromes, Hereditary; Tumor predisposition; Hereditary Cancer Syndrome. Identifiers: Orphanet 140162, MedGen C0027672, MeSH D009386, MONDO:0015356.

gnomAD v4.1: 2 of 1,613,786 alleles (0.00012%); highest among the groups gnomAD compares: Non-Finnish European, 0.00017%; no homozygotes.

Submission:

Ambry Genetics
Classification: Uncertain significance for Hereditary cancer-predisposing syndrome. Last evaluated: 2025-06-17. Review status: criteria provided, single submitter. Criteria: Ambry Variant Classification Scheme 2023. Collection method: clinical testing. Allele origin: germline.
Comment: The p.Q465H variant (also known as c.1395G>T), located in coding exon 9 of the RAD50 gene, results from a G to T substitution at nucleotide position 1395. The glutamine at codon 465 is replaced by histidine, an amino acid with highly similar properties. This amino acid position is conserved. In addition, this alteration is predicted to be tolerated by in silico analysis. Based on the available evidence, the clinical significance of this variant remains unclear.